The following is an entry in ClinVar:

ClinVar aggregate classification (germline): Uncertain significance (1 of 4 stars; one submission).

Allele frequency attached by ClinVar (database versions not stated): gnomAD exomes below 0.00001.
gnomAD v4.1: 2 of 1,613,538 alleles (0.00012%); highest among the groups gnomAD compares: Non-Finnish European, 0.00017%; no homozygotes.

Submission:

Labcorp Genetics (formerly Invitae), Labcorp
Classification: Uncertain significance. Last evaluated: 2024-10-22. Review status: criteria provided, single submitter. Criteria: Invitae Variant Classification Sherloc (09022015). Collection method: clinical testing. Allele origin: germline.
Comment: This sequence change replaces serine, which is neutral and polar, with phenylalanine, which is neutral and non-polar, at codon 270 of the HTRA1 protein (p.Ser270Phe). This variant is not present in population databases (gnomAD no frequency). This variant has not been reported in the literature in individuals affected with HTRA1-related conditions. ClinVar contains an entry for this variant (Variation ID: 1968459). Invitae Evidence Modeling of protein sequence and biophysical properties (such as structural, functional, and spatial information, amino acid conservation, physicochemical variation, residue mobility, and thermodynamic stability) indicates that this missense variant is expected to disrupt HTRA1 protein function with a positive predictive value of 95%. In summary, the available evidence is currently insufficient to determine the role of this variant in disease. Therefore, it has been classified as a Variant of Uncertain Significance.

NM_002775.5(HTRA1):c.809C>T (p.Ser270Phe)

Gene: HTRA1 (HtrA serine peptidase 1; plus strand). Cytogenetic location: 10q26.13.
Variant type: single nucleotide variant.
Coding change: c.809C>T on transcript NM_002775.5 (MANE Select); coding-DNA position 809, C replaced by T.
Protein change: p.Ser270Phe; replaces serine 270 with phenylalanine.
Molecular consequence: missense variant.
Genome position (GRCh38, 1-based): chr10:122,506,722, C>T. VCF-style: chr10-122506722-C-T. GRCh37 (hg19) VCF-style: chr10-124266238-C-T.
Other names: short protein forms S270F.
Identifiers: ClinVar variation 1968459 (VCV001968459.5), dbSNP rs1565433840, ClinGen allele CA378585327.
Genomic context (GRCh38, chr10:122,506,722, plus strand): 5'-CTCAGCAACGCCAGCCATTGTGGTTTCAGGGCAAGCTGCCTGTCCTGCTGCTTGGCCGCT[C>T]CTCAGAGCTGCGGCCGGGAGAGTTCGTGGTCGCCATCGGAAGCCCGTTTTCCCTTCAAAA-3'
Protein context (NP_002766.1, residues 260-280): GKLPVLLLGR[Ser270Phe]SELRPGEFVV